The following is an entry in ClinVar:

NM_031844.3(HNRNPU):c.1156A>G (p.Ile386Val)

Gene: HNRNPU (heterogeneous nuclear ribonucleoprotein U; minus strand). Cytogenetic location: 1q44.
Variant type: single nucleotide variant.
Coding change: c.1156A>G on transcript NM_031844.3 (MANE Select); coding-DNA position 1156, A replaced by G.
Protein change: p.Ile386Val; replaces isoleucine 386 with valine.
Molecular consequence: missense variant.
Genome position (GRCh38, 1-based): chr1:244,858,803, T>C on the plus strand (A>G on the coding strand, the complement: HNRNPU is on the minus strand). VCF-style: chr1-244858803-T-C. GRCh37 (hg19) VCF-style: chr1-245022105-T-C.
Other names: c.1099A>G, p.Ile367Val (NM_004501.3); short protein forms I386V, I367V.
Identifiers: ClinVar variation 446392 (VCV000446392.7), dbSNP rs745485838, ClinGen allele CA1486547.

ClinVar aggregate classification (germline): Uncertain significance (1 of 4 stars; one submission).

Conditions:
Developmental and epileptic encephalopathy, 54. Also called: HNRNPU-Related Neurodevelopmental Disorder; Epileptic encephalopathy, early infantile, 54. Identifiers: MedGen C4479319, MONDO:0033363, OMIM 617391.

Allele frequency attached by ClinVar (database versions not stated): gnomAD exomes 0.00002; TOPMed 0.00002; ExAC 0.00003; gnomAD 0.00004.
gnomAD v4.1: 60 of 1,582,782 alleles (0.0038%); highest among the groups gnomAD compares: Non-Finnish European, 0.0047%; no homozygotes.

Submission:

Labcorp Genetics (formerly Invitae), Labcorp
Classification: Uncertain significance for Developmental and epileptic encephalopathy, 54. Last evaluated: 2023-09-04. Review status: criteria provided, single submitter. Criteria: Invitae Variant Classification Sherloc (09022015). Collection method: clinical testing. Allele origin: germline.
Comment: This variant has not been reported in the literature in individuals affected with HNRNPU-related conditions. In summary, the available evidence is currently insufficient to determine the role of this variant in disease. Therefore, it has been classified as a Variant of Uncertain Significance. Advanced modeling of protein sequence and biophysical properties (such as structural, functional, and spatial information, amino acid conservation, physicochemical variation, residue mobility, and thermodynamic stability) performed at Invitae indicates that this missense variant is not expected to disrupt HNRNPU protein function. ClinVar contains an entry for this variant (Variation ID: 446392). This variant is present in population databases (rs745485838, gnomAD 0.005%). This sequence change replaces isoleucine, which is neutral and non-polar, with valine, which is neutral and non-polar, at codon 386 of the HNRNPU protein (p.Ile386Val).